The following is an entry in ClinVar:

ClinVar aggregate classification (germline): Uncertain significance. Review status: criteria provided, multiple submitters, no conflicts (2 of 4 stars). 2 submissions from 2 submitters: Uncertain significance (2). Last evaluated 2022-08-16.

Allele frequency attached by ClinVar (database versions not stated): ExAC 0.00001; gnomAD exomes 0.00001.
gnomAD v4.1: 7 of 1,614,142 alleles (0.00043%); highest among the groups gnomAD compares: Non-Finnish European, 0.00059%; no homozygotes.

Submissions (3):

Labcorp Genetics (formerly Invitae), Labcorp
Classification: Uncertain significance. Last evaluated: 2022-08-16. Review status: criteria provided, single submitter. Criteria: Invitae Variant Classification Sherloc (09022015). Collection method: clinical testing. Allele origin: germline.
Comment: This sequence change replaces isoleucine, which is neutral and non-polar, with valine, which is neutral and non-polar, at codon 407 of the TPP1 protein (p.Ile407Val). This variant is present in population databases (rs775276482, gnomAD 0.0009%). This variant has not been reported in the literature in individuals affected with TPP1-related conditions. ClinVar contains an entry for this variant (Variation ID: 1444891). Algorithms developed to predict the effect of missense changes on protein structure and function (SIFT, PolyPhen-2, Align-GVGD) all suggest that this variant is likely to be tolerated. In summary, the available evidence is currently insufficient to determine the role of this variant in disease. Therefore, it has been classified as a Variant of Uncertain Significance.

Blueprint Genetics
Classification: Uncertain significance. Last evaluated: 2021-02-01. Review status: criteria provided, single submitter. Criteria: ACMG Guidelines, 2015. Collection method: clinical testing. Allele origin: germline.

Dr. Peter K. Rogan Lab, Western University
No classification provided (evidence only). Condition: Clear cell carcinoma of kidney. Review status: no classification provided. Collection method: in vitro. Allele origin: not applicable. Functional consequence: retained intron. Not counted in ClinVar's aggregate classification.

NM_000391.4(TPP1):c.1219A>G (p.Ile407Val)

Gene: TPP1 (tripeptidyl peptidase 1; minus strand). Cytogenetic location: 11p15.4.
Variant type: single nucleotide variant.
Coding change: c.1219A>G on transcript NM_000391.4 (MANE Select); coding-DNA position 1219, A replaced by G.
Protein change: p.Ile407Val; replaces isoleucine 407 with valine.
Molecular consequence: missense variant.
Genome position (GRCh38, 1-based): chr11:6,615,489, T>C on the plus strand (A>G on the coding strand, the complement: TPP1 is on the minus strand). VCF-style: chr11-6615489-T-C. GRCh37 (hg19) VCF-style: chr11-6636720-T-C.
Other names: short protein forms I407V.
Identifiers: ClinVar variation 1444891 (VCV001444891.10), dbSNP rs775276482, ClinGen allele CA5858701.